The following is an entry in ClinVar:

NM_002860.4(ALDH18A1):c.1032_1033delinsTC (p.Glu345Gln)

Gene: ALDH18A1 (aldehyde dehydrogenase 18 family member A1; minus strand). Cytogenetic location: 10q24.1.
Variant type: Indel.
Coding change: c.1032_1033delinsTC on transcript NM_002860.4 (MANE Select); coding-DNA positions 1032 to 1033, GG replaced by TC.
Protein change: p.Glu345Gln; replaces glutamic acid 345 with glutamine.
Molecular consequence: missense variant.
Genome position (GRCh38, 1-based): chr10:95,627,487-95,627,488, CC replaced by GA on the plus strand (GG replaced by TC on the coding strand, the reverse complement: ALDH18A1 is on the minus strand). VCF-style: chr10-95627487-CC-GA. GRCh37 (hg19) VCF-style: chr10-97387244-CC-GA.
Other names: c.396_397delinsTC, p.Glu133Gln (NM_001323419.2); c.1026_1027delinsTC, p.Glu343Gln (NM_001017423.2, NM_001323415.2); c.699_700delinsTC, p.Glu234Gln (NM_001323412.2, NM_001323416.2); c.1032_1033delinsTC, p.Glu345Gln (NM_001323413.2, NM_001323414.2); c.927_928delinsTC, p.Glu310Gln (NM_001323417.2); c.693_694delinsTC, p.Glu232Gln (NM_001323418.2); short protein forms E343Q, E133Q, E232Q, E234Q, E310Q, E345Q.
Identifiers: ClinVar variation 1965954 (VCV001965954.5), dbSNP rs2526827251, ClinGen allele CA2580082572.
Genomic context (GRCh38, chr10:95,627,487, plus strand): 5'-TGAAGAACTATTTACCTGCAGGCTTTACTTCTGAAAAGAAGGTACCAACTTTCTTCCCCT[CC>GA]ACAATGTCTGTGATGACGTGCCCAGACACCTTTGGGTGGGTTCCATTGGCAATAACAACA-3'
Protein context (NP_002851.2, residues 335-355): VSGHVITDIV[Glu345Gln]GKKVGTFFSE

ClinVar aggregate classification (germline): Uncertain significance (1 of 4 stars; one submission).

Conditions:
Cutis laxa, autosomal dominant 3 (ADCL3). Identifiers: Orphanet 90348, MedGen C4225268, MONDO:0014706, OMIM 616603.
de Barsy syndrome. Also called: Cutis laxa-corneal clouding-oligophrenia syndrome. Identifiers: Orphanet 2962, MedGen C0268354, MONDO:0017569.
Autosomal dominant spastic paraplegia type 9. Identifiers: MedGen C1832669, MONDO:0015091.

Submission:

Labcorp Genetics (formerly Invitae), Labcorp
Classification: Uncertain significance for Autosomal dominant spastic paraplegia type 9; de Barsy syndrome; Cutis laxa, autosomal dominant 3. Last evaluated: 2022-08-01. Review status: criteria provided, single submitter. Criteria: Invitae Variant Classification Sherloc (09022015). Collection method: clinical testing. Allele origin: germline.
Comment: This variant has not been reported in the literature in individuals affected with ALDH18A1-related conditions. Information on the frequency of this variant in the gnomAD database is not available, as this variant may be reported differently in the database. This sequence change replaces glutamic acid, which is acidic and polar, with glutamine, which is neutral and polar, at codon 345 of the ALDH18A1 protein (p.Glu345Gln). Experimental studies and prediction algorithms are not available or were not evaluated, and the functional significance of this variant is currently unknown. In summary, the available evidence is currently insufficient to determine the role of this variant in disease. Therefore, it has been classified as a Variant of Uncertain Significance.